The following is an entry in ClinVar:

ClinVar aggregate classification (germline): Benign/Likely benign. Review status: criteria provided, multiple submitters, no conflicts (2 of 4 stars). 3 submissions from 3 submitters: Benign (1); Likely benign (1). 1 of the submissions does not count toward it. Last evaluated 2026-01-11.

Conditions:
SLC7A14-related disorder. Also called: SLC7A14-related condition.

Allele frequency attached by ClinVar (database versions not stated): gnomAD exomes 0.00021 and 0.00051; ExAC 0.00051; gnomAD 0.00201 and 0.00214; ESP Exome Variant Server 0.00223; TOPMed 0.00226; 1000 Genomes Project 0.00240; 1000 Genomes Project 30x 0.00265.
gnomAD v4.1: 627 of 1,614,114 alleles (0.039%); highest among the groups gnomAD compares: African/African-American, 0.76%; 3 homozygotes.

Submissions (3):

Labcorp Genetics (formerly Invitae), Labcorp
Classification: Benign. Last evaluated: 2026-01-11. Review status: criteria provided, single submitter. Criteria: Invitae Variant Classification Sherloc (09022015). Collection method: clinical testing. Allele origin: germline.

Blueprint Genetics
Classification: Likely benign. Last evaluated: 2024-10-21. Review status: criteria provided, single submitter. Criteria: ACMG Guidelines, 2015. Collection method: clinical testing. Allele origin: germline.

PreventionGenetics, part of Exact Sciences
Classification: Benign for SLC7A14-related condition. Last evaluated: 2019-07-30. Review status: no assertion criteria provided. Collection method: clinical testing. Allele origin: germline. Not counted in ClinVar's aggregate classification.
Comment: This variant is classified as benign based on ACMG/AMP sequence variant interpretation guidelines (Richards et al. 2015 PMID: 25741868, with internal and published modifications).

NM_020949.3(SLC7A14):c.1083T>A (p.Ile361=)

Genes: SLC7A14 (solute carrier family 7 member 14; minus strand), SLC7A14-AS1 (SLC7A14 antisense RNA 1; plus strand). Cytogenetic location: 3q26.2.
Variant type: single nucleotide variant.
Coding change: c.1083T>A on transcript NM_020949.3 (MANE Select); coding-DNA position 1083, T replaced by A.
Protein change: p.Ile361=; no amino-acid change (isoleucine 361 retained).
Molecular consequence: synonymous variant.
Genome position (GRCh38, 1-based): chr3:170,483,346, A>T on the plus strand (T>A on the coding strand, the complement: SLC7A14 is on the minus strand). VCF-style: chr3-170483346-A-T. GRCh37 (hg19) VCF-style: chr3-170201135-A-T.
Identifiers: ClinVar variation 709672 (VCV000709672.14), dbSNP rs147666717, ClinGen allele CA2701720.